The following is an entry in ClinVar:

NM_005263.5(GFI1):c.580G>A (p.Gly194Ser)

Gene: GFI1 (growth factor independent 1 transcriptional repressor; minus strand). Cytogenetic location: 1p22.1.
Variant type: single nucleotide variant.
Coding change: c.580G>A on transcript NM_005263.5 (MANE Select); coding-DNA position 580, G replaced by A.
Protein change: p.Gly194Ser; replaces glycine 194 with serine.
Molecular consequence: missense variant.
Genome position (GRCh38, 1-based): chr1:92,480,807, C>T on the plus strand (G>A on the coding strand, the complement: GFI1 is on the minus strand). VCF-style: chr1-92480807-C-T. GRCh37 (hg19) VCF-style: chr1-92946364-C-T.
Other names: c.580G>A, p.Gly194Ser (NM_001127215.3, NM_001127216.3); short protein forms G194S.
Identifiers: ClinVar variation 4997882 (VCV004997882.1).

ClinVar aggregate classification (germline): Uncertain significance (1 of 4 stars; one submission).

Conditions:
GFI1-related disorder. Also called: GFI1-related condition.

gnomAD v4.1: 3 of 1,584,542 alleles (0.00019%); highest among the groups gnomAD compares: South Asian, 0.0023%; no homozygotes.

Submission:

PreventionGenetics, part of Exact Sciences
Classification: Uncertain significance for GFI1-related condition. Last evaluated: 2025-06-13. Review status: criteria provided, single submitter. Criteria: ACMG Guidelines, 2015. Collection method: clinical testing. Allele origin: germline.
Comment: The GFI1 c.580G>A variant is predicted to result in the amino acid substitution p.Gly194Ser. To our knowledge, this variant has not been reported in the literature or in a large population database (gnomAD), indicating this variant is rare. At this time, the clinical significance of this variant is uncertain due to the absence of conclusive functional and genetic evidence.